The following is an entry in ClinVar:

NM_000238.4(KCNH2):c.872T>G (p.Met291Arg)

Gene: KCNH2 (potassium voltage-gated channel subfamily H member 2; minus strand). Cytogenetic location: 7q36.1.
Variant type: single nucleotide variant.
Coding change: c.872T>G on transcript NM_000238.4 (MANE Select); coding-DNA position 872, T replaced by G.
Protein change: p.Met291Arg; replaces methionine 291 with arginine.
Molecular consequence: missense variant.
Genome position (GRCh38, 1-based): chr7:150,958,103, A>C on the plus strand (T>G on the coding strand, the complement: KCNH2 is on the minus strand). VCF-style: chr7-150958103-A-C. GRCh37 (hg19) VCF-style: chr7-150655191-A-C.
Other names: c.584T>G, p.Met195Arg (NM_001406753.1, NM_001406756.1); c.695T>G, p.Met232Arg (NM_001406755.1); c.572T>G, p.Met191Arg (NM_001406757.1); c.872T>G, p.Met291Arg (NM_172056.3); short protein forms M291R, M191R, M195R, M232R.
Identifiers: ClinVar variation 374955 (VCV000374955.13), dbSNP rs199472881, ClinGen allele CA16043993.

ClinVar aggregate classification (germline): Uncertain significance. Review status: criteria provided, multiple submitters, no conflicts (2 of 4 stars). 5 submissions from 4 submitters: Uncertain significance (3). 2 of the submissions do not count toward it. Last evaluated 2026-01-31.

Conditions:
Long QT syndrome 2 (LQT2). Identifiers: Orphanet 101016, Orphanet 768, MedGen C3150943, MONDO:0013367, OMIM 613688.
Short QT syndrome type 1. Identifiers: Orphanet 51083, MedGen C1865020, MONDO:0012312, OMIM 609620.
Long QT syndrome (LQTS). Identifiers: MedGen C0023976, MeSH D008133, MONDO:0002442. Disease mechanism: loss of function. Inheritance: Various modes of inheritance.

gnomAD v4.1: 3 of 1,288,204 alleles (0.00023%); highest among the groups gnomAD compares: Admixed American, 0.012%; no homozygotes.

Submissions (5):

Labcorp Genetics (formerly Invitae), Labcorp
Classification: Uncertain significance for Long QT syndrome. Last evaluated: 2026-01-31. Review status: criteria provided, single submitter. Criteria: Invitae Variant Classification Sherloc (09022015). Collection method: clinical testing. Allele origin: germline.
Comment: This sequence change replaces methionine, which is neutral and non-polar, with arginine, which is basic and polar, at codon 291 of the KCNH2 protein (p.Met291Arg). This variant is not present in population databases (gnomAD no frequency). This variant has not been reported in the literature in individuals affected with KCNH2-related conditions. ClinVar contains an entry for this variant (Variation ID: 374955). An algorithm developed to predict the effect of missense changes on protein structure and function (PolyPhen-2) suggests that this variant is likely to be tolerated. In summary, the available evidence is currently insufficient to determine the role of this variant in disease. Therefore, it has been classified as a Variant of Uncertain Significance.

Fulgent Genetics
Classification: Uncertain significance for Short QT syndrome type 1; Long QT syndrome 2. Last evaluated: 2021-10-16. Review status: criteria provided, single submitter. Criteria: ACMG Guidelines, 2015. Collection method: clinical testing. Allele origin: unknown.

Athena Diagnostics
Classification: Uncertain significance. Last evaluated: 2020-07-17. Review status: criteria provided, single submitter. Criteria: Athena Diagnostics Criteria. Collection method: clinical testing. Allele origin: unknown.

Knight Diagnostic Laboratories, Oregon Health and Sciences University
Classification: Uncertain significance for Long QT syndrome 2. Last evaluated: 2015-12-04. Review status: no assertion criteria provided. Criteria: ACMG Guidelines, 2015. Collection method: clinical testing. Allele origin: germline. Affected: no. Study: CSER-NextGen. Not counted in ClinVar's aggregate classification.

Knight Diagnostic Laboratories, Oregon Health and Sciences University
Classification: Uncertain significance for Short QT syndrome type 1. Last evaluated: 2015-12-04. Review status: no assertion criteria provided. Criteria: ACMG Guidelines, 2015. Collection method: clinical testing. Allele origin: germline. Affected: no. Study: CSER-NextGen. Not counted in ClinVar's aggregate classification.